The following is an entry in ClinVar:

ClinVar aggregate classification (germline): Pathogenic/Likely pathogenic. Review status: criteria provided, multiple submitters, no conflicts (2 of 4 stars). 2 submissions from 2 submitters: Pathogenic (1); Likely pathogenic (1). Last evaluated 2023-06-22.

Conditions:
Hurler syndrome. Also called: Gargoylism, Hurler Syndrome; MUCOPOLYSACCHARIDOSIS TYPE IH; Severe MPS I (Hurler Syndrome). Identifiers: Orphanet 93473, MedGen C0086795, MONDO:0011758, OMIM 607014.
Mucopolysaccharidosis, MPS-I-S. Also called: MPS V; MUCOPOLYSACCHARIDOSIS TYPE V; Scheie Syndrome; MUCOPOLYSACCHARIDOSIS TYPE IS. Identifiers: Orphanet 93474, MedGen C0026708, MONDO:0011760, OMIM 607016.

Submissions (2):

Neuberg Centre For Genomic Medicine, NCGM
Classification: Likely pathogenic for Mucopolysaccharidosis, MPS-I-S. Last evaluated: 2023-06-22. Review status: criteria provided, single submitter. Criteria: ACMG Guidelines, 2015. Collection method: clinical testing. Allele origin: germline. Inheritance: Autosomal recessive inheritance. Affected: yes.
Comment: The stop gained/ inframe deletion c.1853_1855del p.Tyr618_Arg619delinsTer in the IDUA gene has not been reported previously as a pathogenic variant nor as a benign variant, to our knowledge. The variant is absent in the gnomAD Exomes. This p.Tyr618_Arg619delinsTer causes deletion of amino acid Tyrosine at position 618 to Arginine at position 619. Loss of function variants has been previously reported to be disease causing Poletto et al., 2018. Though the variant is present in penultimate exon, there are other pathogenic/likely pathogenic variants reported beyond this position in the ClinVar Database. For these reasons, this variant has been classified as Likely Pathogenic.

Kasturba Medical College, Manipal, Kasturba Medical College, Manipal, Manipal Academy of Higher Education, Manipal, India
Classification: Pathogenic for Hurler syndrome. Review status: criteria provided, single submitter. Criteria: ACMG Guidelines, 2015. Collection method: research. Allele origin: biparental. Inheritance: Autosomal recessive inheritance. Affected: yes. Observed: 1 homozygote.
Comment: A stopgain variant, c.1853_1855del p.(Tyr618Ter) in exon 14 of IDUA (NM_000203.5) was observed in the homozygous state in the proiband.

Literature cited by the submitters: PubMed 15521993 (cited by Kasturba Medical College, Manipal, Kasturba Medical College, Manipal, Manipal Academy of Higher Education, Manipal, India).

NM_000203.5(IDUA):c.1853_1855del (p.Tyr618_Arg619delinsTer)

Gene: IDUA (alpha-L-iduronidase; plus strand). Cytogenetic location: 4p16.3.
Variant type: Deletion.
Coding change: c.1853_1855del on transcript NM_000203.5 (MANE Select); coding-DNA positions 1853 to 1855, 3 bases deleted (ACC; older notation c.1853_1855delACC).
Protein change: p.Tyr618_Arg619delinsTer.
Molecular consequence: nonsense. On other transcripts: non-coding transcript variant (1).
Genome position (GRCh38, 1-based): chr4:1,004,284-1,004,286, ACC deleted. VCF-style (leftmost placement, unchanged base first): chr4-1004283-TACC-T. GRCh37 (hg19) VCF-style: chr4-998071-TACC-T.
Other names: c.1457_1459del, p.Tyr486_Arg487delinsTer (NM_001363576.1).
Identifiers: ClinVar variation 3391404 (VCV003391404.3).